The following is an entry in ClinVar:

ClinVar aggregate classification (germline): Pathogenic (1 of 4 stars; one submission).

Conditions:
Mucopolysaccharidosis, MPS-II (MPS2). Also called: Hunter Syndrome; IDURONATE 2-SULFATASE DEFICIENCY; Mucopolysaccharidosis Type II; Mucopolysaccharidosis type 2; Attenuated MPS (subtype; formerly known as mild MPS II); Severe MPS II. Identifiers: Orphanet 580, Orphanet 79388, MedGen C0026705, MONDO:0010674, OMIM 309900.

Submission:

Laboratory of Diagnosis and Therapy of Lysosomal Disorders, University of Padova
Classification: Pathogenic for Mucopolysaccharidosis, MPS-II. Last evaluated: 2024-06-07. Review status: criteria provided, single submitter. Criteria: ACMG Guidelines, 2015. Collection method: literature only. Allele origin: germline. Affected: yes. Observed: 2 variant alleles.
Comment: Null variant (PVS1_VeryStrong), Absent from controls (or at low frequency) in gnomAD database (PM2_Moderate), Patient’s phenotype or family history highly specific for the disease (PP4_Strong)

Classification method: ACMG Guidelines [PMID:25741868] with modifications

Literature cited by the submitters: PubMed 10671065; PubMed 36945845.

NM_000202.8(IDS):c.702C>G (p.Tyr234Ter)

Genes: IDS (iduronate 2-sulfatase; minus strand), LOC106050102 (IDS recombination region; plus strand). Cytogenetic location: Xq28.
Variant type: single nucleotide variant.
Coding change: c.702C>G on transcript NM_000202.8 (MANE Select); coding-DNA position 702, C replaced by G.
Protein change: p.Tyr234Ter; replaces tyrosine 234 with a stop codon.
Molecular consequence: nonsense. On other transcripts: non-coding transcript variant (1).
Genome position (GRCh38, 1-based): chrX:149,498,113, G>C on the plus strand (C>G on the coding strand, the complement: IDS is on the minus strand). VCF-style: chrX-149498113-G-C. GRCh37 (hg19) VCF-style: chrX-148579644-G-C.
Other names: c.432C>G, p.Tyr144Ter (NM_001166550.4); c.702C>G, p.Tyr234Ter (NM_006123.5); short protein forms Y144*, Y234*.
Identifiers: ClinVar variation 3255811 (VCV003255811.2).